The following is an entry in ClinVar:

ClinVar aggregate classification (germline): Likely benign. Review status: criteria provided, multiple submitters, no conflicts (2 of 4 stars). 4 submissions from 4 submitters: Likely benign (3). 1 of the submissions does not count toward it. Last evaluated 2026-01-26.

Conditions:
RPL18-related disorder. Also called: RPL18-related condition.

Allele frequency attached by ClinVar (database versions not stated): ESP Exome Variant Server 0.00031; gnomAD 0.00039 and 0.00047; 1000 Genomes Project 30x 0.00047; 1000 Genomes Project 0.00060; ExAC 0.00060.
gnomAD v4.1: 864 of 1,609,702 alleles (0.054%); highest among the groups gnomAD compares: Middle Eastern, 0.98%; 4 homozygotes.

Submissions (4):

Labcorp Genetics (formerly Invitae), Labcorp
Classification: Likely benign. Last evaluated: 2026-01-26. Review status: criteria provided, single submitter. Criteria: Invitae Variant Classification Sherloc (09022015). Collection method: clinical testing. Allele origin: germline.

Blueprint Genetics
Classification: Likely benign. Last evaluated: 2024-11-18. Review status: criteria provided, single submitter. Criteria: ACMG Guidelines, 2015. Collection method: clinical testing. Allele origin: germline.

Breakthrough Genomics
Classification: Likely benign. Review status: criteria provided, single submitter. Criteria: ACMG Guidelines, 2015. Collection method: not provided. Allele origin: germline. Inheritance: Autosomal dominant inheritance. Affected: yes.

PreventionGenetics, part of Exact Sciences
Classification: Likely benign for RPL18-related condition. Last evaluated: 2019-06-27. Review status: no assertion criteria provided. Collection method: clinical testing. Allele origin: germline. Not counted in ClinVar's aggregate classification.
Comment: This variant is classified as likely benign based on ACMG/AMP sequence variant interpretation guidelines (Richards et al. 2015 PMID: 25741868, with internal and published modifications).

NM_000979.4(RPL18):c.91-4C>T

Gene: RPL18 (ribosomal protein L18; minus strand). Cytogenetic location: 19q13.33.
Variant type: single nucleotide variant.
Coding change: c.91-4C>T on transcript NM_000979.4 (MANE Select); 4 bases into the intron before coding-DNA position 91, C replaced by T.
Molecular consequence: intron variant.
Genome position (GRCh38, 1-based): chr19:48,617,427, G>A on the plus strand (C>T on the coding strand, the complement: RPL18 is on the minus strand). VCF-style: chr19-48617427-G-A. GRCh37 (hg19) VCF-style: chr19-49120684-G-A.
Other names: c.4-4C>T (NM_001270490.2).
Identifiers: ClinVar variation 709321 (VCV000709321.13), dbSNP rs200523276, ClinGen allele CA9554269.
Genomic context (GRCh38, chr19:48,617,427, plus strand): 5'-CTTCAACACAACCTGGTTGAATGTGGAGTTGGTTCTTCTGGCCAGAAACCTGTATAACTG[G>A]AGGGACGGGAAGACAGTGAGAAGCTGGGACAGCCTGCTCCCCCGCAGCCTTCCAGTGAAG-3'